The following is an entry in ClinVar:

NM_018052.5(VAC14):c.1261G>T (p.Val421Phe)

Genes: VAC14 (VAC14 component of PIKFYVE complex; minus strand), VAC14-AS1 (VAC14 antisense RNA 1; plus strand). Cytogenetic location: 16q22.1.
Variant type: single nucleotide variant.
Coding change: c.1261G>T on transcript NM_018052.5 (MANE Select); coding-DNA position 1261, G replaced by T.
Protein change: p.Val421Phe; replaces valine 421 with phenylalanine.
Molecular consequence: missense variant.
Genome position (GRCh38, 1-based): chr16:70,762,925, C>A on the plus strand (G>T on the coding strand, the complement: VAC14 is on the minus strand). VCF-style: chr16-70762925-C-A. GRCh37 (hg19) VCF-style: chr16-70796828-C-A.
Other names: c.559G>T, p.Val187Phe (NM_001351157.2); short protein forms V187F, V421F.
Identifiers: ClinVar variation 1420777 (VCV001420777.6), dbSNP rs1228516719, ClinGen allele CA396601779.

ClinVar aggregate classification (germline): Uncertain significance (1 of 4 stars; one submission).

Allele frequency attached by ClinVar (database versions not stated): gnomAD exomes below 0.00001; gnomAD 0.00001.
gnomAD v4.1: 3 of 1,614,134 alleles (0.00019%); highest among the groups gnomAD compares: Non-Finnish European, 0.00017%; no homozygotes.

Submission:

Labcorp Genetics (formerly Invitae), Labcorp
Classification: Uncertain significance. Last evaluated: 2023-04-24. Review status: criteria provided, single submitter. Criteria: Invitae Variant Classification Sherloc (09022015). Collection method: clinical testing. Allele origin: germline.
Comment: ClinVar contains an entry for this variant (Variation ID: 1420777). Advanced modeling of protein sequence and biophysical properties (such as structural, functional, and spatial information, amino acid conservation, physicochemical variation, residue mobility, and thermodynamic stability) performed at Invitae indicates that this missense variant is not expected to disrupt VAC14 protein function. In summary, the available evidence is currently insufficient to determine the role of this variant in disease. Therefore, it has been classified as a Variant of Uncertain Significance. This variant has not been reported in the literature in individuals affected with VAC14-related conditions. This sequence change replaces valine, which is neutral and non-polar, with phenylalanine, which is neutral and non-polar, at codon 421 of the VAC14 protein (p.Val421Phe). The frequency data for this variant in the population databases is considered unreliable, as metrics indicate poor data quality at this position in the gnomAD database.